The following is an entry in ClinVar:

NM_001106.4(ACVR2B):c.*911C>T

Gene: ACVR2B (activin A receptor type 2B; plus strand). Cytogenetic location: 3p22.2.
Variant type: single nucleotide variant.
Coding change: c.*911C>T on transcript NM_001106.4 (MANE Select); 911 bases downstream of the stop codon, C replaced by T.
Molecular consequence: 3 prime UTR variant.
Genome position (GRCh38, 1-based): chr3:38,484,243, C>T. VCF-style: chr3-38484243-C-T. GRCh37 (hg19) VCF-style: chr3-38525734-C-T.
Identifiers: ClinVar variation 344939 (VCV000344939.6), dbSNP rs6599204, ClinGen allele CA10618186.

ClinVar aggregate classification (germline): Benign. Review status: criteria provided, multiple submitters, no conflicts (2 of 4 stars). 2 submissions from 2 submitters: Benign (2). Last evaluated 2018-01-13.

Conditions:
Heterotaxy, visceral, 4, autosomal (HTX4). Identifiers: Orphanet 450, MedGen C3151057, MONDO:0013403, OMIM 613751.

Allele frequency attached by ClinVar (database versions not stated): gnomAD exomes 0.55714; gnomAD 0.60049 and 0.60229; TOPMed 0.60268; 1000 Genomes Project 30x 0.60962; 1000 Genomes Project 0.61022.
gnomAD v4.1: 91,470 of 152,078 alleles (60%); highest among the groups gnomAD compares: East Asian, 62%; 27,631 homozygotes.

Submissions (2):

Illumina Laboratory Services, Illumina
Classification: Benign for Heterotaxy, visceral, 4, autosomal. Last evaluated: 2018-01-13. Review status: criteria provided, single submitter. Criteria: ICSL Variant Classification Criteria 13 December 2019. Collection method: clinical testing. Allele origin: germline.
Comment: This variant was observed in the ICSL laboratory as part of a predisposition screen in an ostensibly healthy population. It had not been previously curated by ICSL or reported in the Human Gene Mutation Database (HGMD: prior to June 1st, 2018), and was therefore a candidate for classification through an automated scoring system. Utilizing variant allele frequency, disease prevalence and penetrance estimates, and inheritance mode, an automated score was calculated to assess if this variant is too frequent to cause the disease. Based on the score and internal cut-off values, a variant classified as benign is not then subjected to further curation. The score for this variant resulted in a classification of benign for this disease.

Breakthrough Genomics
Classification: Benign. Review status: criteria provided, single submitter. Criteria: ACMG Guidelines, 2015. Collection method: not provided. Allele origin: germline. Inheritance: Unknown mechanism. Affected: yes.